The following is an entry in ClinVar:

NM_145239.3(PRRT2):c.808A>G (p.Ile270Val)

Genes: MVP-DT (MVP divergent transcript; minus strand), PRRT2 (proline rich transmembrane protein 2; plus strand). Cytogenetic location: 16p11.2.
Variant type: single nucleotide variant.
Coding change: c.808A>G on transcript NM_145239.3 (MANE Select); coding-DNA position 808, A replaced by G.
Protein change: p.Ile270Val; replaces isoleucine 270 with valine.
Molecular consequence: missense variant.
Genome position (GRCh38, 1-based): chr16:29,813,862, A>G. VCF-style: chr16-29813862-A-G. GRCh37 (hg19) VCF-style: chr16-29825183-A-G.
Other names: c.808A>G, p.Ile270Val (NM_001256442.2, NM_001256443.2); short protein forms I270V.
Identifiers: ClinVar variation 1507895 (VCV001507895.11), dbSNP rs1383421303, ClinGen allele CA395479848.

ClinVar aggregate classification (germline): Uncertain significance. Review status: criteria provided, multiple submitters, no conflicts (2 of 4 stars). 2 submissions from 2 submitters: Uncertain significance (2). Last evaluated 2024-02-23.

Conditions:
Episodic kinesigenic dyskinesia (EKD). Also called: Paroxysmal kinesigenic dyskinesia. Identifiers: Orphanet 98809, MedGen C1868682, MONDO:0044202.

Allele frequency attached by ClinVar (database versions not stated): gnomAD 0.00001; TOPMed 0.00001.
gnomAD v4.1: 1 of 1,613,376 alleles (0.000062%); highest among the groups gnomAD compares: African/African-American, 0.0013%; no homozygotes.

Submissions (2):

Labcorp Genetics (formerly Invitae), Labcorp
Classification: Uncertain significance for Episodic kinesigenic dyskinesia. Last evaluated: 2024-02-23. Review status: criteria provided, single submitter. Criteria: Invitae Variant Classification Sherloc (09022015). Collection method: clinical testing. Allele origin: germline.
Comment: This sequence change replaces isoleucine, which is neutral and non-polar, with valine, which is neutral and non-polar, at codon 270 of the PRRT2 protein (p.Ile270Val). This variant is not present in population databases (gnomAD no frequency). This variant has not been reported in the literature in individuals affected with PRRT2-related conditions. ClinVar contains an entry for this variant (Variation ID: 1507895). Advanced modeling of protein sequence and biophysical properties (such as structural, functional, and spatial information, amino acid conservation, physicochemical variation, residue mobility, and thermodynamic stability) performed at Invitae indicates that this missense variant is not expected to disrupt PRRT2 protein function with a negative predictive value of 95%. In summary, the available evidence is currently insufficient to determine the role of this variant in disease. Therefore, it has been classified as a Variant of Uncertain Significance.

GeneDx
Classification: Uncertain significance. Last evaluated: 2023-08-22. Review status: criteria provided, single submitter. Criteria: GeneDx Variant Classification Process June 2021. Collection method: clinical testing. Allele origin: germline. Affected: yes.
Comment: Not observed at significant frequency in large population cohorts (gnomAD); In silico analysis supports that this missense variant does not alter protein structure/function; Has not been previously published as pathogenic or benign to our knowledge